The following is an entry in ClinVar:

NM_001002295.2(GATA3):c.549C>T (p.Cys183=)

Gene: GATA3 (GATA binding protein 3; plus strand). Cytogenetic location: 10p14.
Variant type: single nucleotide variant.
Coding change: c.549C>T on transcript NM_001002295.2 (MANE Select); coding-DNA position 549, C replaced by T.
Protein change: p.Cys183=; no amino-acid change (cysteine 183 retained).
Molecular consequence: synonymous variant.
Genome position (GRCh38, 1-based): chr10:8,058,612, C>T. VCF-style: chr10-8058612-C-T. GRCh37 (hg19) VCF-style: chr10-8100575-C-T.
Other names: p.Cys183=; c.549C>T, p.Cys183= (NM_001441115.1, NM_001441116.1, NM_001441117.1 and 18 more transcripts).
Identifiers: ClinVar variation 4683480 (VCV004683480.1).
Genomic context (GRCh38, chr10:8,058,612, plus strand): 5'-GGACCCATCGCTGTCCACCCCAGGCTCGGCCGGCTCGGCCCGGCAGGACGAGAAAGAGTG[C>T]CTCAAGTACCAGGTGCCCCTGCCCGACAGCATGAAGCTGGAGTCGTCCCACTCCCGTGGC-3'
Protein context (NP_001002295.1, residues 173-193): AGSARQDEKE[Cys183=]LKYQVPLPDS

ClinVar aggregate classification (germline): Likely benign (1 of 4 stars; one submission).

gnomAD v4.1: 3 of 1,612,258 alleles (0.00019%); highest among the groups gnomAD compares: Non-Finnish European, 0.00017%; no homozygotes.

Submission:

Mayo Clinic Laboratories, Mayo Clinic
Classification: Likely benign. Last evaluated: 2025-06-22. Review status: criteria provided, single submitter. Criteria: ACMG Guidelines, 2015. Collection method: clinical testing. Allele origin: germline. Observed: 1 variant allele.
Comment: BP4, BP7, PM2_supporting